The following is an entry in ClinVar:

ClinVar aggregate classification (germline): Uncertain significance (1 of 4 stars; one submission).

Conditions:
Malignant hyperthermia, susceptibility to, 5 (MHS5). Also called: CACNA1S-Related Malignant Hyperthermia Susceptibility. Identifiers: Orphanet 423, MedGen C1866077, MONDO:0011163, OMIM 601887.
Hypokalemic periodic paralysis, type 1. Also called: Hypokalemic Periodic Paralysis Type 1 (AD); HypoPP. Identifiers: Orphanet 681, MedGen C3714580, MONDO:0042979, OMIM 170400.

Submission:

Labcorp Genetics (formerly Invitae), Labcorp
Classification: Uncertain significance for Hypokalemic periodic paralysis, type 1; Malignant hyperthermia, susceptibility to, 5. Last evaluated: 2024-12-02. Review status: criteria provided, single submitter. Criteria: Invitae Variant Classification Sherloc (09022015). Collection method: clinical testing. Allele origin: germline.
Comment: This sequence change falls in intron 14 of the CACNA1S gene. It does not directly change the encoded amino acid sequence of the CACNA1S protein. It affects a nucleotide within the consensus splice site. This variant is present in population databases (rs753213243, gnomAD 0.03%). This variant has not been reported in the literature in individuals affected with CACNA1S-related conditions. ClinVar contains an entry for this variant (Variation ID: 2196972). Variants that disrupt the consensus splice site are a relatively common cause of aberrant splicing (PMID: 17576681, 9536098). Algorithms developed to predict the effect of sequence changes on RNA splicing suggest that this variant may disrupt the consensus splice site. In summary, the available evidence is currently insufficient to determine the role of this variant in disease. Therefore, it has been classified as a Variant of Uncertain Significance.

Literature cited by the submitters: PubMed 17576681; PubMed 9536098.

NM_000069.3(CACNA1S):c.2063+4A>C

Gene: CACNA1S (calcium voltage-gated channel subunit alpha1 S; minus strand). Cytogenetic location: 1q32.1.
Variant type: single nucleotide variant.
Coding change: c.2063+4A>C on transcript NM_000069.3 (MANE Select); 4 bases into the intron after coding-DNA position 2063, A replaced by C.
Molecular consequence: intron variant.
Genome position (GRCh38, 1-based): chr1:201,074,502, T>G on the plus strand (A>C on the coding strand, the complement: CACNA1S is on the minus strand). VCF-style: chr1-201074502-T-G. GRCh37 (hg19) VCF-style: chr1-201043630-T-G.
Identifiers: ClinVar variation 2196972 (VCV002196972.4), dbSNP rs753213243, ClinGen allele CA078777.